The following is an entry in ClinVar:

ClinVar aggregate classification (germline): Uncertain significance. Review status: criteria provided, multiple submitters, no conflicts (2 of 4 stars). 3 submissions from 3 submitters: Uncertain significance (3). Last evaluated 2025-11-15.

Conditions:
Ataxia-telangiectasia syndrome (AT). Also called: ATAXIA-TELANGIECTASIA, COMPLEMENTATION GROUP A; ATAXIA-TELANGIECTASIA, FRESNO VARIANT; Ataxia-telangiectasia, complementation group E; Ataxia telangiectasia (A-T); LOUIS-BAR SYNDROME; Cerebello-oculocutaneous telangiectasia. Identifiers: Orphanet 100, MedGen C0004135, MONDO:0008840, OMIM 208900.
Hereditary cancer-predisposing syndrome. Also called: Neoplastic Syndromes, Hereditary; Hereditary Cancer Syndrome; Hereditary neoplastic syndrome; Tumor predisposition. Identifiers: Orphanet 140162, MedGen C0027672, MeSH D009386, MONDO:0015356.

Allele frequency attached by ClinVar (database versions not stated): gnomAD exomes below 0.00001.

Submissions (3):

Ambry Genetics
Classification: Uncertain significance for Hereditary cancer-predisposing syndrome. Last evaluated: 2025-11-15. Review status: criteria provided, single submitter. Criteria: Ambry Variant Classification Scheme 2023. Collection method: clinical testing. Allele origin: germline.
Comment: The p.Q161R variant (also known as c.482A>G), located in coding exon 4 of the ATM gene, results from an A to G substitution at nucleotide position 482. The glutamine at codon 161 is replaced by arginine, an amino acid with highly similar properties. This amino acid position is not well conserved in available vertebrate species. In addition, this alteration is predicted to be tolerated by in silico analysis. Since supporting evidence is limited at this time, the clinical significance of this alteration remains unclear.

Labcorp Genetics (formerly Invitae), Labcorp
Classification: Uncertain significance for Ataxia-telangiectasia syndrome. Last evaluated: 2025-07-30. Review status: criteria provided, single submitter. Criteria: Invitae Variant Classification Sherloc (09022015). Collection method: clinical testing. Allele origin: germline.
Comment: This sequence change replaces glutamine, which is neutral and polar, with arginine, which is basic and polar, at codon 161 of the ATM protein (p.Gln161Arg). This variant is not present in population databases (gnomAD no frequency). This variant has not been reported in the literature in individuals affected with ATM-related conditions. ClinVar contains an entry for this variant (Variation ID: 825212). Invitae Evidence Modeling of protein sequence and biophysical properties (such as structural, functional, and spatial information, amino acid conservation, physicochemical variation, residue mobility, and thermodynamic stability) indicates that this missense variant is not expected to disrupt ATM protein function with a negative predictive value of 95%. In summary, the available evidence is currently insufficient to determine the role of this variant in disease. Therefore, it has been classified as a Variant of Uncertain Significance.

GeneDx
Classification: Uncertain significance. Last evaluated: 2023-10-12. Review status: criteria provided, single submitter. Criteria: GeneDx Variant Classification Process June 2021. Collection method: clinical testing. Allele origin: germline. Affected: yes.
Comment: Not observed at significant frequency in large population cohorts (gnomAD); In silico analysis supports that this missense variant does not alter protein structure/function; Has not been previously published as pathogenic or benign to our knowledge; This variant is associated with the following publications: (PMID: 35127508)

NM_000051.4(ATM):c.482A>G (p.Gln161Arg)

Gene: ATM (ATM serine/threonine kinase; plus strand). Cytogenetic location: 11q22.3.
Variant type: single nucleotide variant.
Coding change: c.482A>G on transcript NM_000051.4 (MANE Select); coding-DNA position 482, A replaced by G.
Protein change: p.Gln161Arg; replaces glutamine 161 with arginine.
Molecular consequence: missense variant.
Genome position (GRCh38, 1-based): chr11:108,235,820, A>G. VCF-style: chr11-108235820-A-G. GRCh37 (hg19) VCF-style: chr11-108106547-A-G.
Other names: c.482A>G, p.Gln161Arg (NM_001351834.2); short protein forms Q161R.
Identifiers: ClinVar variation 825212 (VCV000825212.13), dbSNP rs587780625, ClinGen allele CA228375015.